The following is an entry in ClinVar:

NM_000186.4(CFH):c.427+57_427+58insT

Gene: CFH (complement factor H; plus strand). Cytogenetic location: 1q31.3.
Variant type: Insertion.
Coding change: c.427+57_427+58insT on transcript NM_000186.4 (MANE Select); bases 57 to 58 of the intron after coding-DNA position 427, T inserted.
Molecular consequence: intron variant.
Genome position: GRCh38 VCF-style: chr1-196676122-A-AT. GRCh37 (hg19) VCF-style: chr1-196645252-A-AT.
Other names: c.427+57_427+58insT (NM_001014975.3).
Identifiers: ClinVar variation 4291693 (VCV004291693.2).

ClinVar aggregate classification (germline): Likely benign (1 of 4 stars; one submission).

Conditions:
Atypical hemolytic-uremic syndrome. Identifiers: Orphanet 2134, MedGen C2931788, MONDO:0016244.
Age related macular degeneration 4. Identifiers: MedGen C1853147, MONDO:0012540, OMIM 610698.
Basal laminar drusen. Also called: DRUSEN OF BRUCH MEMBRANE; DRUSEN, CUTICULAR; DRUSEN, EARLY ADULT-ONSET, GROUPED. Identifiers: Orphanet 75376, MedGen C0730295, MONDO:0007472, OMIM 126700.
Factor H deficiency (CFHD). Also called: COMPLEMENT FACTOR H DEFICIENCY; CFH DEFICIENCY. Identifiers: Orphanet 200421, MedGen C0398777, MONDO:0012350, OMIM 609814.

Submission:

Genomenon, Inc
Classification: Likely benign for Age related macular degeneration 4; Atypical hemolytic-uremic syndrome; Factor H deficiency; Basal laminar drusen. Last evaluated: 2026-09-17. Review status: criteria provided, single submitter. Criteria: Genomenon Sequence Variant Interpretation Standards - Updated. Collection method: curation. Allele origin: germline. Affected: no.
Comment: CFH c.427+57_427+58insT is an insertion variant located in intron 4. This variant has been reported in the published literature (PMID: 18421087). This variant is not predicted to impact splicing. This variant's allele frequency in gnomAD is greater than expected for this disorder. In conclusion, we classify CFH c.427+57_427+58insT as a likely benign variant.

Literature cited by the submitters: PubMed 18421087.